The following is an entry in ClinVar:

NM_005188.4(CBL):c.223C>G (p.Leu75Val)

Gene: CBL (Cbl proto-oncogene; plus strand). Cytogenetic location: 11q23.3.
Variant type: single nucleotide variant.
Coding change: c.223C>G on transcript NM_005188.4 (MANE Select); coding-DNA position 223, C replaced by G.
Protein change: p.Leu75Val; replaces leucine 75 with valine.
Molecular consequence: missense variant.
Genome position (GRCh38, 1-based): chr11:119,232,475, C>G. VCF-style: chr11-119232475-C-G. GRCh37 (hg19) VCF-style: chr11-119103185-C-G.
Other names: c.223C>G (NM_005188.2); short protein forms L75V.
Identifiers: ClinVar variation 1999784 (VCV001999784.5), dbSNP rs2135266146, ClinGen allele CA382894169.

ClinVar aggregate classification (germline): Uncertain significance. Review status: criteria provided, multiple submitters, no conflicts (2 of 4 stars). 2 submissions from 2 submitters: Uncertain significance (2). Last evaluated 2025-07-13.

Conditions:
RASopathy. Also called: rasopathies; Noonan spectrum disorder. Identifiers: Orphanet 536391, MedGen C5555857, MONDO:0021060.
Cardiovascular phenotype. Identifiers: MedGen CN230736.

Submissions (2):

Ambry Genetics
Classification: Uncertain significance for Cardiovascular phenotype. Last evaluated: 2025-07-13. Review status: criteria provided, single submitter. Criteria: Ambry Variant Classification Scheme 2023. Collection method: clinical testing. Allele origin: germline.
Comment: The p.L75V variant (also known as c.223C>G), located in coding exon 2 of the CBL gene, results from a C to G substitution at nucleotide position 223. The leucine at codon 75 is replaced by valine, an amino acid with highly similar properties. This amino acid position is conserved. In addition, the in silico prediction for this alteration is inconclusive. Based on the available evidence, the clinical significance of this variant remains unclear.

Labcorp Genetics (formerly Invitae), Labcorp
Classification: Uncertain significance for RASopathy. Last evaluated: 2022-05-28. Review status: criteria provided, single submitter. Criteria: Invitae Variant Classification Sherloc (09022015). Collection method: clinical testing. Allele origin: germline.
Comment: This variant has not been reported in the literature in individuals affected with CBL-related conditions. This variant is not present in population databases (gnomAD no frequency). This sequence change replaces leucine, which is neutral and non-polar, with valine, which is neutral and non-polar, at codon 75 of the CBL protein (p.Leu75Val). Advanced modeling of protein sequence and biophysical properties (such as structural, functional, and spatial information, amino acid conservation, physicochemical variation, residue mobility, and thermodynamic stability) performed at Invitae indicates that this missense variant is not expected to disrupt CBL protein function. In summary, the available evidence is currently insufficient to determine the role of this variant in disease. Therefore, it has been classified as a Variant of Uncertain Significance.